The following is an entry in ClinVar:

NM_024422.6(DSC2):c.286A>G (p.Ile96Val)

Gene: DSC2 (desmocollin 2; minus strand). Cytogenetic location: 18q12.1.
Variant type: single nucleotide variant.
Coding change: c.286A>G on transcript NM_024422.6 (MANE Select); coding-DNA position 286, A replaced by G.
Protein change: p.Ile96Val; replaces isoleucine 96 with valine.
Molecular consequence: missense variant.
Genome position (GRCh38, 1-based): chr18:31,092,169, T>C on the plus strand (A>G on the coding strand, the complement: DSC2 is on the minus strand). VCF-style: chr18-31092169-T-C. GRCh37 (hg19) VCF-style: chr18-28672132-T-C.
Other names: c.286A>G, p.Ile96Val (NM_004949.5); short protein forms I96V.
Identifiers: ClinVar variation 410656 (VCV000410656.26), dbSNP rs772447450, ClinGen allele CA037600.

ClinVar aggregate classification (germline): Uncertain significance. Review status: criteria provided, multiple submitters, no conflicts (2 of 4 stars). 7 submissions from 7 submitters: Uncertain significance (7). Last evaluated 2025-12-27.

Conditions:
Arrhythmogenic right ventricular dysplasia 11. Also called: Arrhythmogenic Right Ventricular Dysplasia/Cardiomyopathy11; ARRHYTHMOGENIC RIGHT VENTRICULAR DYSPLASIA, FAMILIAL, 11; Arrhythmogenic right ventricular dysplasia 11 with mild palmoplantar keratoderma and woolly hair. Identifiers: MedGen C1864850, MONDO:0012506, OMIM 610476.
Cardiovascular phenotype. Identifiers: MedGen CN230736.
Familial isolated arrhythmogenic right ventricular dysplasia. Identifiers: Orphanet 217656, MedGen C4274968, MONDO:0016342.
Cardiomyopathy (CMYO). Also called: Cardiomyopathies. Identifiers: Orphanet 167848, MedGen C0878544, MONDO:0004994, HP:0001638. Inheritance: Various modes of inheritance.

Allele frequency attached by ClinVar (database versions not stated): gnomAD exomes 0.00002 and 0.00003; ExAC 0.00002; gnomAD 0.00004; TOPMed 0.00006.
gnomAD v4.1: 45 of 1,613,488 alleles (0.0028%); highest among the groups gnomAD compares: Admixed American, 0.005%; no homozygotes.

Submissions (7):

Labcorp Genetics (formerly Invitae), Labcorp
Classification: Uncertain significance for Arrhythmogenic right ventricular dysplasia 11. Last evaluated: 2025-12-27. Review status: criteria provided, single submitter. Criteria: Invitae Variant Classification Sherloc (09022015). Collection method: clinical testing. Allele origin: germline.
Comment: This sequence change replaces isoleucine, which is neutral and non-polar, with valine, which is neutral and non-polar, at codon 96 of the DSC2 protein (p.Ile96Val). This variant is present in population databases (rs772447450, gnomAD 0.004%). This missense change has been observed in individual(s) with hypertrophic cardiomyopathy (PMID: 30847666). ClinVar contains an entry for this variant (Variation ID: 410656). Invitae Evidence Modeling of protein sequence and biophysical properties (such as structural, functional, and spatial information, amino acid conservation, physicochemical variation, residue mobility, and thermodynamic stability) indicates that this missense variant is not expected to disrupt DSC2 protein function with a negative predictive value of 80%. In summary, the available evidence is currently insufficient to determine the role of this variant in disease. Therefore, it has been classified as a Variant of Uncertain Significance.

Ambry Genetics
Classification: Uncertain significance for Cardiovascular phenotype. Last evaluated: 2025-09-28. Review status: criteria provided, single submitter. Criteria: Ambry Variant Classification Scheme 2023. Collection method: clinical testing. Allele origin: germline.
Comment: The p.I96V variant (also known as c.286A>G), located in coding exon 3 of the DSC2 gene, results from an A to G substitution at nucleotide position 286. The isoleucine at codon 96 is replaced by valine, an amino acid with highly similar properties. This variant was detected in a cardiomyopathy genetic testing cohort; however, clinical details were limited, and additional cardiac variants were detected in some cases (van Lint FHM et al. Neth Heart J, 2019 Jun;27:304-309). This amino acid position is well conserved in available vertebrate species. In addition, this alteration is predicted to be tolerated by in silico analysis. Since supporting evidence is limited at this time, the clinical significance of this alteration remains unclear.

All of Us Research Program, National Institutes of Health
Classification: Uncertain significance for Familial isolated arrhythmogenic right ventricular dysplasia. Last evaluated: 2024-09-23. Review status: criteria provided, single submitter. Criteria: ACMG Guidelines, 2015. Collection method: clinical testing. Allele origin: germline. Inheritance: Autosomal dominant inheritance. Observed: 19 variant alleles, 19 heterozygotes.
Comment: This missense variant replaces isoleucine with valine at codon 96 of the DSC2 protein. Computational prediction suggests that this variant may not impact protein structure and function (internally defined REVEL score threshold <= 0.5, PMID: 27666373). To our knowledge, functional studies have not been reported for this variant. This variant has not been reported in individuals affected with cardiovascular disorders in the literature. This variant has been identified in 5/250806 chromosomes in the general population by the Genome Aggregation Database (gnomAD). The available evidence is insufficient to determine the role of this variant in disease conclusively. Therefore, this variant is classified as a Variant of Uncertain Significance.

This study involves interpretation of variants in research participants for the purpose of population health screening. Participant phenotype was not available at the time of variant classification. Additional details can be found in publication PMID: 35346344, PMCID: PMC8962531

Women's Health and Genetics/Laboratory Corporation of America, LabCorp
Classification: Uncertain significance. Last evaluated: 2024-09-16. Review status: criteria provided, single submitter. Criteria: LabCorp Variant Classification Summary - May 2015. Collection method: clinical testing. Allele origin: germline.
Comment: Variant summary: DSC2 c.286A>G (p.Ile96Val) results in a conservative amino acid change located in the Cadherin prodomain of the encoded protein sequence. Four of five in-silico tools predict a benign effect of the variant on protein function. The variant allele was found at a frequency of 2e-05 in 250806 control chromosomes. The available data on variant occurrences in the general population are insufficient to allow any conclusion about variant significance. To our knowledge, no occurrence of c.286A>G in individuals affected with Arrhythmogenic Right Ventricular Dysplasia/Cardiomyopathy and no experimental evidence demonstrating its impact on protein function have been reported. ClinVar contains an entry for this variant (Variation ID: 410656). Based on the evidence outlined above, the variant was classified as uncertain significance.

Color Diagnostics, LLC DBA Color Health
Classification: Uncertain significance for Cardiomyopathy. Last evaluated: 2024-03-07. Review status: criteria provided, single submitter. Criteria: ACMG Guidelines, 2015. Collection method: clinical testing. Allele origin: germline.
Comment: This missense variant replaces isoleucine with valine at codon 96 of the DSC2 protein. Computational prediction suggests that this variant may not impact protein structure and function (internally defined REVEL score threshold <= 0.5, PMID: 27666373). To our knowledge, functional studies have not been reported for this variant. This variant has been reported in an individual affected with hypertrophic cardiomyopathy (PMID: 30847666). This variant has been identified in 5/250806 chromosomes in the general population by the Genome Aggregation Database (gnomAD). The available evidence is insufficient to determine the role of this variant in disease conclusively. Therefore, this variant is classified as a Variant of Uncertain Significance.

GeneDx
Classification: Uncertain significance. Last evaluated: 2023-06-05. Review status: criteria provided, single submitter. Criteria: GeneDx Variant Classification Process June 2021. Collection method: clinical testing. Allele origin: germline. Affected: yes.
Comment: Not observed at significant frequency in large population cohorts (gnomAD); In silico analysis supports that this missense variant does not alter protein structure/function; Identified in a patient with cardiomyopathy in published literature; however, detailed clinical information was not provided (van Lint et al., 2019); This variant is associated with the following publications: (PMID: 30847666)

Fulgent Genetics
Classification: Uncertain significance for Arrhythmogenic right ventricular dysplasia 11. Last evaluated: 2021-09-01. Review status: criteria provided, single submitter. Criteria: ACMG Guidelines, 2015. Collection method: clinical testing. Allele origin: unknown.

Literature cited by the submitters: PubMed 30847666 (cited by 3 submitters).